The following is an entry in ClinVar:

NM_020738.4(KIDINS220):c.3733C>T (p.Arg1245Cys)

Gene: KIDINS220 (kinase D interacting substrate 220; minus strand). Cytogenetic location: 2p25.1.
Variant type: single nucleotide variant.
Coding change: c.3733C>T on transcript NM_020738.4 (MANE Select); coding-DNA position 3733, C replaced by T.
Protein change: p.Arg1245Cys; replaces arginine 1245 with cysteine.
Molecular consequence: missense variant. On other transcripts: non-coding transcript variant (2).
Genome position (GRCh38, 1-based): chr2:8,734,738, G>A on the plus strand (C>T on the coding strand, the complement: KIDINS220 is on the minus strand). VCF-style: chr2-8734738-G-A. GRCh37 (hg19) VCF-style: chr2-8874868-G-A.
Other names: c.3736C>T, p.Arg1246Cys (NM_001348729.2); c.3679C>T, p.Arg1227Cys (NM_001348731.2); c.3676C>T, p.Arg1226Cys (NM_001348732.2, NM_001348738.2); c.3565C>T, p.Arg1189Cys (NM_001348734.2, NM_001348739.2, NM_001348740.2); c.3562C>T, p.Arg1188Cys (NM_001348735.2, NM_001348741.2, NM_001348742.2 and 1 more transcripts); c.3436C>T, p.Arg1146Cys (NM_001348736.2); short protein forms R1146C, R1188C, R1189C, R1226C, R1227C, R1245C, R1246C.
Identifiers: ClinVar variation 3903320 (VCV003903320.1).

ClinVar aggregate classification (germline): Uncertain significance (1 of 4 stars; one submission).

gnomAD v4.1: 10 of 1,610,228 alleles (0.00062%); highest among the groups gnomAD compares: Admixed American, 0.0017%; no homozygotes.

Submission:

GeneDx
Classification: Uncertain significance. Last evaluated: 2024-12-06. Review status: criteria provided, single submitter. Criteria: GeneDx Variant Classification Process June 2021. Collection method: clinical testing. Allele origin: germline. Affected: yes.
Comment: In silico analysis supports that this missense variant has a deleterious effect on protein structure/function; Has not been previously published as pathogenic or benign to our knowledge